The following is an entry in ClinVar:

ClinVar aggregate classification (germline): Uncertain significance (1 of 4 stars; one submission).

Conditions:
Hereditary cancer-predisposing syndrome. Also called: Neoplastic Syndromes, Hereditary; Hereditary neoplastic syndrome; Tumor predisposition; Hereditary Cancer Syndrome. Identifiers: Orphanet 140162, MedGen C0027672, MeSH D009386, MONDO:0015356.

Submission:

Ambry Genetics
Classification: Uncertain significance for Hereditary cancer-predisposing syndrome. Last evaluated: 2023-02-09. Review status: criteria provided, single submitter. Criteria: Ambry Variant Classification Scheme 2023. Collection method: clinical testing. Allele origin: germline.
Comment: The p.M47K variant (also known as c.140T>A), located in coding exon 1 of the PRKAR1A gene, results from a T to A substitution at nucleotide position 140. The methionine at codon 47 is replaced by lysine, an amino acid with similar properties. This amino acid position is conserved. In addition, this alteration is predicted to be deleterious by in silico analysis. Since supporting evidence is limited at this time, the clinical significance of this alteration remains unclear.

NM_002734.5(PRKAR1A):c.140T>A (p.Met47Lys)

Gene: PRKAR1A (protein kinase cAMP-dependent type I regulatory subunit alpha; plus strand). Cytogenetic location: 17q24.2.
Variant type: single nucleotide variant.
Coding change: c.140T>A on transcript NM_002734.5 (MANE Select); coding-DNA position 140, T replaced by A.
Protein change: p.Met47Lys; replaces methionine 47 with lysine.
Molecular consequence: missense variant.
Genome position (GRCh38, 1-based): chr17:68,515,539, T>A. VCF-style: chr17-68515539-T-A. GRCh37 (hg19) VCF-style: chr17-66511680-T-A.
Other names: c.140T>A, p.Met47Lys (NM_001276289.2, NM_001276290.1, NM_001278433.2 and 4 more transcripts); short protein forms M47K.
Identifiers: ClinVar variation 2496760 (VCV002496760.2), dbSNP rs2085406538, ClinGen allele CA400752048.
Genomic context (GRCh38, chr17:68,515,539, plus strand): 5'-TTCAAGCGCTGCTCAAAGATTCTATTGTGCAGTTGTGCACTGCTCGACCTGAGAGACCCA[T>A]GGCATTCCTCAGGGAATACTTTGAGAGGTTGGAGAAGGTAAAAATAAATGTGGGGAGATG-3'
Protein context (NP_002725.1, residues 37-57): QLCTARPERP[Met47Lys]AFLREYFERL